The following is an entry in ClinVar:

ClinVar aggregate classification (germline): Uncertain significance. Review status: criteria provided, multiple submitters, no conflicts (2 of 4 stars). 2 submissions from 2 submitters: Uncertain significance (2). Last evaluated 2023-11-07.

Allele frequency attached by ClinVar (database versions not stated): gnomAD exomes 0.00001; gnomAD 0.00001; TOPMed 0.00001; ExAC 0.00003; ESP Exome Variant Server 0.00008.

Submissions (2):

GeneDx
Classification: Uncertain significance. Last evaluated: 2023-11-07. Review status: criteria provided, single submitter. Criteria: GeneDx Variant Classification Process June 2021. Collection method: clinical testing. Allele origin: germline. Affected: yes.
Comment: Not observed at significant frequency in large population cohorts (gnomAD); Missense variant in a gene in which most reported pathogenic variants are truncating/loss of function; Has not been previously published as pathogenic or benign to our knowledge

Eurofins Ntd Llc (ga)
Classification: Uncertain significance. Last evaluated: 2017-07-03. Review status: criteria provided, single submitter. Criteria: EGL Classification Definitions 2015. Collection method: clinical testing. Allele origin: germline. Observed: 1 variant allele, 1 heterozygote.

NM_001267550.2(TTN):c.43711A>G (p.Met14571Val)

Gene: TTN (titin; minus strand). Cytogenetic location: 2q31.2.
Variant type: single nucleotide variant.
Coding change: c.43711A>G on transcript NM_001267550.2 (MANE Select); coding-DNA position 43711, A replaced by G.
Protein change: p.Met14571Val; replaces methionine 14571 with valine.
Molecular consequence: missense variant.
Genome position (GRCh38, 1-based): chr2:178,632,183, T>C on the plus strand (A>G on the coding strand, the complement: TTN is on the minus strand). VCF-style: chr2-178632183-T-C. GRCh37 (hg19) VCF-style: chr2-179496910-T-C.
Other names: c.38788A>G, p.Met12930Val (NM_001256850.1); c.16516A>G, p.Met5506Val (NM_003319.4); c.36007A>G, p.Met12003Val (NM_133378.4); c.16891A>G, p.Met5631Val (NM_133432.3); c.17092A>G, p.Met5698Val (NM_133437.4); c.43711A>G (NM_001267550.1); short protein forms M12003V, M14571V, M5698V, M12930V, M5506V, M5631V.
Identifiers: ClinVar variation 593023 (VCV000593023.6), dbSNP rs373801238, ClinGen allele CA1995814.